The following is an entry in ClinVar:

NM_014363.6(SACS):c.7641A>G (p.Lys2547=)

Gene: SACS (sacsin molecular chaperone; minus strand). Cytogenetic location: 13q12.12.
Variant type: single nucleotide variant.
Coding change: c.7641A>G on transcript NM_014363.6 (MANE Select); coding-DNA position 7641, A replaced by G.
Protein change: p.Lys2547=; no amino-acid change (lysine 2547 retained).
Molecular consequence: synonymous variant.
Genome position (GRCh38, 1-based): chr13:23,336,235, T>C on the plus strand (A>G on the coding strand, the complement: SACS is on the minus strand). VCF-style: chr13-23336235-T-C. GRCh37 (hg19) VCF-style: chr13-23910374-T-C.
Other names: c.7200A>G, p.Lys2400= (NM_001278055.2).
Identifiers: ClinVar variation 697531 (VCV000697531.13), dbSNP rs780021681, ClinGen allele CA6910880.

ClinVar aggregate classification (germline): Conflicting classifications of pathogenicity. Review status: criteria provided, conflicting classifications (1 of 4 stars). 3 submissions from 3 submitters: Uncertain significance (1); Likely benign (2). Last evaluated 2026-08-26.

Conditions:
SACS-related disorder. Also called: SACS-related condition.
Spastic paraplegia. Identifiers: MedGen C0037772, HP:0001258.

Allele frequency attached by ClinVar (database versions not stated): gnomAD exomes 0.00006 and 0.00017; ExAC 0.00007; TOPMed 0.00010; gnomAD 0.00011 and 0.00012.
gnomAD v4.1: 261 of 1,613,976 alleles (0.016%); highest among the groups gnomAD compares: Non-Finnish European, 0.021%; no homozygotes.

Submissions (3):

PreventionGenetics, part of Exact Sciences
Classification: Likely benign for SACS-related condition. Last evaluated: 2026-08-26. Review status: criteria provided, single submitter. Criteria: ACMG Guidelines, 2015. Collection method: clinical testing. Allele origin: germline.
Comment: This variant is classified as likely benign based on ACMG/AMP sequence variant interpretation guidelines (Richards et al. 2015 PMID: 25741868, with internal and published modifications).

Labcorp Genetics (formerly Invitae), Labcorp
Classification: Likely benign for Spastic paraplegia. Last evaluated: 2026-01-15. Review status: criteria provided, single submitter. Criteria: Invitae Variant Classification Sherloc (09022015). Collection method: clinical testing. Allele origin: germline.

Athena Diagnostics
Classification: Uncertain significance. Last evaluated: 2024-05-09. Review status: criteria provided, single submitter. Criteria: Athena Diagnostics Criteria. Collection method: clinical testing. Allele origin: unknown.
Comment: Available data are insufficient to determine the clinical significance of the variant at this time. The frequency of this variant in the general population is uninformative in assessment of its pathogenicity. Computational tools yielded predictions that this variant is unlikely to have an effect on normal RNA splicing.